The following is an entry in ClinVar:

NM_000222.3(KIT):c.532G>T (p.Ala178Ser)

Gene: KIT (KIT proto-oncogene, receptor tyrosine kinase; plus strand). Cytogenetic location: 4q12.
Variant type: single nucleotide variant.
Coding change: c.532G>T on transcript NM_000222.3 (MANE Select); coding-DNA position 532, G replaced by T.
Protein change: p.Ala178Ser; replaces alanine 178 with serine.
Molecular consequence: missense variant.
Genome position (GRCh38, 1-based): chr4:54,698,478, G>T. VCF-style: chr4-54698478-G-T. GRCh37 (hg19) VCF-style: chr4-55564644-G-T.
Other names: c.532G>T, p.Ala178Ser (NM_001093772.2, NM_001385284.1, NM_001385285.1 and 4 more transcripts); c.532G>T (NM_000222.2); short protein forms A178S.
Identifiers: ClinVar variation 1403778 (VCV001403778.8), dbSNP rs115585711, ClinGen allele CA356897792.

ClinVar aggregate classification (germline): Conflicting classifications of pathogenicity. Review status: criteria provided, conflicting classifications (1 of 4 stars). 3 submissions from 3 submitters: Uncertain significance (2); Likely benign (1). Last evaluated 2024-12-09.

Conditions:
Hereditary cancer-predisposing syndrome. Also called: Tumor predisposition; Hereditary Cancer Syndrome; Hereditary neoplastic syndrome; Neoplastic Syndromes, Hereditary. Identifiers: Orphanet 140162, MedGen C0027672, MeSH D009386, MONDO:0015356.
Gastrointestinal stromal tumor. Also called: Gastrointestinal stroma tumor; Gastrointestinal stromal tumor, somatic. Identifiers: Orphanet 44890, MedGen C0238198, MeSH D046152, MONDO:0011719, OMIM 606764, HP:0100723.
KIT-related disorder. Also called: KIT-related condition.

gnomAD v4.1: 4 of 1,614,132 alleles (0.00025%); highest among the groups gnomAD compares: South Asian, 0.0022%; no homozygotes.

Submissions (3):

Ambry Genetics
Classification: Likely benign for Hereditary cancer-predisposing syndrome. Last evaluated: 2024-12-09. Review status: criteria provided, single submitter. Criteria: Ambry Variant Classification Scheme 2023. Collection method: clinical testing. Allele origin: germline.

PreventionGenetics, part of Exact Sciences
Classification: Uncertain significance for KIT-related condition. Last evaluated: 2023-01-06. Review status: criteria provided, single submitter. Criteria: ACMG Guidelines, 2015. Collection method: clinical testing. Allele origin: germline.
Comment: The KIT c.532G>T variant is predicted to result in the amino acid substitution p.Ala178Ser. To our knowledge, this variant has not been reported in the literature or in a large population database, indicating this variant is rare. At this time, the clinical significance of this variant is uncertain due to the absence of conclusive functional and genetic evidence.

Labcorp Genetics (formerly Invitae), Labcorp
Classification: Uncertain significance for Gastrointestinal stromal tumor. Last evaluated: 2022-05-27. Review status: criteria provided, single submitter. Criteria: Invitae Variant Classification Sherloc (09022015). Collection method: clinical testing. Allele origin: germline.
Comment: In summary, the available evidence is currently insufficient to determine the role of this variant in disease. Therefore, it has been classified as a Variant of Uncertain Significance. Algorithms developed to predict the effect of missense changes on protein structure and function output the following: SIFT: "Tolerated"; PolyPhen-2: "Benign"; Align-GVGD: "Class C0". The serine amino acid residue is found in multiple mammalian species, which suggests that this missense change does not adversely affect protein function. This variant has not been reported in the literature in individuals affected with KIT-related conditions. This variant is not present in population databases (gnomAD no frequency). This sequence change replaces alanine, which is neutral and non-polar, with serine, which is neutral and polar, at codon 178 of the KIT protein (p.Ala178Ser).